The following is an entry in ClinVar:

ClinVar aggregate classification (germline): Uncertain significance. Review status: criteria provided, multiple submitters, no conflicts (2 of 4 stars). 3 submissions from 3 submitters: Uncertain significance (2). 1 of the submissions does not count toward it. Last evaluated 2022-05-08.

Conditions:
KMT2D-related disorder. Also called: KMT2D-Related Disorders.
Kabuki syndrome. Also called: NIIKAWA-KUROKI SYNDROME; Kabuki make-up syndrome. Identifiers: Orphanet 2322, MedGen C0796004, MONDO:0016512.

Allele frequency attached by ClinVar (database versions not stated): gnomAD 0.00001; TOPMed 0.00002.
gnomAD v4.1: 7 of 1,613,636 alleles (0.00043%); highest among the groups gnomAD compares: Non-Finnish European, 0.00059%; no homozygotes.

Submissions (3):

Labcorp Genetics (formerly Invitae), Labcorp
Classification: Uncertain significance for Kabuki syndrome. Last evaluated: 2022-05-08. Review status: criteria provided, single submitter. Criteria: Invitae Variant Classification Sherloc (09022015). Collection method: clinical testing. Allele origin: germline.
Comment: In summary, the available evidence is currently insufficient to determine the role of this variant in disease. Therefore, it has been classified as a Variant of Uncertain Significance. Advanced modeling of protein sequence and biophysical properties (such as structural, functional, and spatial information, amino acid conservation, physicochemical variation, residue mobility, and thermodynamic stability) performed at Invitae indicates that this missense variant is not expected to disrupt KMT2D protein function. ClinVar contains an entry for this variant (Variation ID: 94251). This variant has not been reported in the literature in individuals affected with KMT2D-related conditions. This variant is not present in population databases (gnomAD no frequency). This sequence change replaces glycine, which is neutral and non-polar, with arginine, which is basic and polar, at codon 2599 of the KMT2D protein (p.Gly2599Arg).

Eurofins Ntd Llc (ga)
Classification: Uncertain significance. Last evaluated: 2013-04-29. Review status: criteria provided, single submitter. Criteria: EGL Classification Definitions 2015. Collection method: clinical testing. Allele origin: germline. Observed: 1 variant allele, 1 heterozygote.

PreventionGenetics, part of Exact Sciences
Classification: Uncertain significance for KMT2D-related condition. Last evaluated: 2024-06-21. Review status: no assertion criteria provided. Collection method: clinical testing. Allele origin: germline. Not counted in ClinVar's aggregate classification.
Comment: The KMT2D c.7795G>A variant is predicted to result in the amino acid substitution p.Gly2599Arg. To our knowledge, this variant has not been reported in the literature or in a large population database, indicating this variant is rare. At this time, the clinical significance of this variant is uncertain due to the absence of conclusive functional and genetic evidence.

NM_003482.4(KMT2D):c.7795G>A (p.Gly2599Arg)

Gene: KMT2D (lysine methyltransferase 2D; minus strand). Cytogenetic location: 12q13.12.
Variant type: single nucleotide variant.
Coding change: c.7795G>A on transcript NM_003482.4 (MANE Select); coding-DNA position 7795, G replaced by A.
Protein change: p.Gly2599Arg; replaces glycine 2599 with arginine.
Molecular consequence: missense variant.
Genome position (GRCh38, 1-based): chr12:49,039,975, C>T on the plus strand (G>A on the coding strand, the complement: KMT2D is on the minus strand). VCF-style: chr12-49039975-C-T. GRCh37 (hg19) VCF-style: chr12-49433758-C-T.
Other names: short protein forms G2599R.
Identifiers: ClinVar variation 94251 (VCV000094251.11), dbSNP rs398123760, ClinGen allele CA222110.